The following is an entry in ClinVar:

NM_007129.5(ZIC2):c.1445G>A (p.Ser482Asn)

Gene: ZIC2 (Zic family zinc finger 2; plus strand). Cytogenetic location: 13q32.3.
Variant type: single nucleotide variant.
Coding change: c.1445G>A on transcript NM_007129.5 (MANE Select); coding-DNA position 1445, G replaced by A.
Protein change: p.Ser482Asn; replaces serine 482 with asparagine.
Molecular consequence: missense variant.
Genome position (GRCh38, 1-based): chr13:99,985,528, G>A. VCF-style: chr13-99985528-G-A. GRCh37 (hg19) VCF-style: chr13-100637782-G-A.
Other names: short protein forms S482N.
Identifiers: ClinVar variation 1963946 (VCV001963946.5), dbSNP rs2053262222, ClinGen allele CA388639575.

ClinVar aggregate classification (germline): Uncertain significance (1 of 4 stars; one submission).

Conditions:
Holoprosencephaly 5 (HPE5). Identifiers: Orphanet 2162, MedGen C1864827, MONDO:0012322, OMIM 609637.

Allele frequency attached by ClinVar (database versions not stated): TOPMed below 0.00001; gnomAD exomes 0.00001.

Submission:

Labcorp Genetics (formerly Invitae), Labcorp
Classification: Uncertain significance for Holoprosencephaly 5. Last evaluated: 2023-11-06. Review status: criteria provided, single submitter. Criteria: Invitae Variant Classification Sherloc (09022015). Collection method: clinical testing. Allele origin: germline.
Comment: This sequence change replaces serine, which is neutral and polar, with asparagine, which is neutral and polar, at codon 482 of the ZIC2 protein (p.Ser482Asn). The frequency data for this variant in the population databases is considered unreliable, as metrics indicate insufficient coverage at this position in the gnomAD database. This variant has not been reported in the literature in individuals affected with ZIC2-related conditions. ClinVar contains an entry for this variant (Variation ID: 1963946). Experimental studies and prediction algorithms are not available or were not evaluated, and the functional significance of this variant is currently unknown. In summary, the available evidence is currently insufficient to determine the role of this variant in disease. Therefore, it has been classified as a Variant of Uncertain Significance.